The following is an entry in ClinVar:

NM_001375524.1(TRRAP):c.2007+3A>G

Gene: TRRAP (transformation/transcription domain associated protein; plus strand). Cytogenetic location: 7q22.1.
Variant type: single nucleotide variant.
Coding change: c.2007+3A>G on transcript NM_001375524.1 (MANE Select); 3 bases into the intron after coding-DNA position 2007, A replaced by G.
Molecular consequence: intron variant.
Genome position (GRCh38, 1-based): chr7:98,911,274, A>G. VCF-style: chr7-98911274-A-G. GRCh37 (hg19) VCF-style: chr7-98508897-A-G.
Other names: c.2007+3A>G (NM_001244580.2, NM_003496.4).
Identifiers: ClinVar variation 3780995 (VCV003780995.1).

ClinVar aggregate classification (germline): Uncertain significance (1 of 4 stars; one submission).

Submission:

GeneDx
Classification: Uncertain significance. Last evaluated: 2024-10-16. Review status: criteria provided, single submitter. Criteria: GeneDx Variant Classification Process June 2021. Collection method: clinical testing. Allele origin: germline. Affected: yes.
Comment: Not observed at significant frequency in large population cohorts (gnomAD); Has not been previously published as pathogenic or benign to our knowledge; Targeted RNA studies using blood from individuals in this family suggest this variant does not alter RNA expression, splicing, or cause allelic imbalance; however, these studies cannot exclude the possibility that this variant may have an effect at the RNA level in another tissue; Nucleotide is not conserved across species and the substitution has no predicted effect on splicing